The following is an entry in ClinVar:

NM_000384.3(APOB):c.7433C>T (p.Ala2478Val)

Gene: APOB (apolipoprotein B; minus strand). Cytogenetic location: 2p24.1.
Variant type: single nucleotide variant.
Coding change: c.7433C>T on transcript NM_000384.3 (MANE Select); coding-DNA position 7433, C replaced by T.
Protein change: p.Ala2478Val; replaces alanine 2478 with valine.
Molecular consequence: missense variant.
Genome position (GRCh38, 1-based): chr2:21,009,435, G>A on the plus strand (C>T on the coding strand, the complement: APOB is on the minus strand). VCF-style: chr2-21009435-G-A. GRCh37 (hg19) VCF-style: chr2-21232307-G-A.
Other names: short protein forms A2478V.
Identifiers: ClinVar variation 2948655 (VCV002948655.3), dbSNP rs2465368876, ClinGen allele CA345997167.

ClinVar aggregate classification (germline): Uncertain significance (1 of 4 stars; one submission).

Conditions:
Familial hypobetalipoproteinemia 1. Also called: APOB-Related Familial Hypobetalipoproteinemia; Hypobetalipoproteinemia, normotriglyceridemic; Acanthocytosis with hypobetalipoproteinemia. Identifiers: MedGen C4551990, MONDO:0014252, OMIM 615558.
Hypercholesterolemia, autosomal dominant, type B (FHCL2). Also called: Familial Hypercholesterolemia Type B; APOLIPOPROTEIN B-100, FAMILIAL DEFECTIVE; APOLIPOPROTEIN B-100, FAMILIAL LIGAND-DEFECTIVE; HYPERCHOLESTEROLEMIA, FAMILIAL, DUE TO LIGAND-DEFECTIVE APOLIPOPROTEIN B; Hyperlipoproteinemia Type IIb; Familial hypercholesterolemia 2. Identifiers: MedGen C1704417, MONDO:0007751, OMIM 144010.

Submission:

Labcorp Genetics (formerly Invitae), Labcorp
Classification: Uncertain significance for Familial hypobetalipoproteinemia 1; Hypercholesterolemia, autosomal dominant, type B. Last evaluated: 2023-06-07. Review status: criteria provided, single submitter. Criteria: Invitae Variant Classification Sherloc (09022015). Collection method: clinical testing. Allele origin: germline.
Comment: In summary, the available evidence is currently insufficient to determine the role of this variant in disease. Therefore, it has been classified as a Variant of Uncertain Significance. Advanced modeling of protein sequence and biophysical properties (such as structural, functional, and spatial information, amino acid conservation, physicochemical variation, residue mobility, and thermodynamic stability) performed at Invitae indicates that this missense variant is not expected to disrupt APOB protein function. This variant has not been reported in the literature in individuals affected with APOB-related conditions. This variant is not present in population databases (gnomAD no frequency). This sequence change replaces alanine, which is neutral and non-polar, with valine, which is neutral and non-polar, at codon 2478 of the APOB protein (p.Ala2478Val).